The following is an entry in ClinVar:

ClinVar aggregate classification (germline): Uncertain significance (1 of 4 stars; one submission).

Allele frequency attached by ClinVar (database versions not stated): ExAC 0.00001; gnomAD 0.00001; TOPMed 0.00001.
gnomAD v4.1: 3 of 1,613,194 alleles (0.00019%); highest among the groups gnomAD compares: African/African-American, 0.0013%; no homozygotes.

Submission:

Labcorp Genetics (formerly Invitae), Labcorp
Classification: Uncertain significance. Last evaluated: 2023-10-03. Review status: criteria provided, single submitter. Criteria: Invitae Variant Classification Sherloc (09022015). Collection method: clinical testing. Allele origin: germline.
Comment: This sequence change replaces serine, which is neutral and polar, with asparagine, which is neutral and polar, at codon 942 of the PCARE protein (p.Ser942Asn). This variant is present in population databases (rs749286077, gnomAD 0.0009%). This variant has not been reported in the literature in individuals affected with PCARE-related conditions. ClinVar contains an entry for this variant (Variation ID: 1037297). An algorithm developed to predict the effect of missense changes on protein structure and function (PolyPhen-2) suggests that this variant is likely to be tolerated. In summary, the available evidence is currently insufficient to determine the role of this variant in disease. Therefore, it has been classified as a Variant of Uncertain Significance.

NM_001029883.3(PCARE):c.2825G>A (p.Ser942Asn)

Gene: PCARE (photoreceptor cilium actin regulator; minus strand). Cytogenetic location: 2p23.2.
Variant type: single nucleotide variant.
Coding change: c.2825G>A on transcript NM_001029883.3 (MANE Select); coding-DNA position 2825, G replaced by A.
Protein change: p.Ser942Asn; replaces serine 942 with asparagine.
Molecular consequence: missense variant.
Genome position (GRCh38, 1-based): chr2:29,071,437, C>T on the plus strand (G>A on the coding strand, the complement: PCARE is on the minus strand). VCF-style: chr2-29071437-C-T. GRCh37 (hg19) VCF-style: chr2-29294303-C-T.
Other names: short protein forms S942N.
Identifiers: ClinVar variation 1037297 (VCV001037297.8), dbSNP rs749286077, ClinGen allele CA1592112.